The following is an entry in ClinVar:

NM_001382637.1(OTUD7A):c.881G>A (p.Gly294Asp)

Gene: OTUD7A (OTU deubiquitinase 7A; minus strand). Cytogenetic location: 15q13.3.
Variant type: single nucleotide variant.
Coding change: c.881G>A on transcript NM_001382637.1 (MANE Select); coding-DNA position 881, G replaced by A.
Protein change: p.Gly294Asp; replaces glycine 294 with aspartic acid.
Molecular consequence: missense variant.
Genome position (GRCh38, 1-based): chr15:31,526,361, C>T on the plus strand (G>A on the coding strand, the complement: OTUD7A is on the minus strand). VCF-style: chr15-31526361-C-T. GRCh37 (hg19) VCF-style: chr15-31818564-C-T.
Other names: c.881G>A, p.Gly294Asp (NM_001329907.2); c.860G>A, p.Gly287Asp (NM_130901.3); c.860G>A (NM_130901.1); short protein forms G287D, G294D.
Identifiers: ClinVar variation 3352002 (VCV003352002.2).

ClinVar aggregate classification (germline): Uncertain significance. Review status: criteria provided, single submitter (1 of 4 stars). 2 submissions from 2 submitters: Uncertain significance (1). 1 of the submissions does not count toward it. Last evaluated 2025-09-11.

Conditions:
OTUD7A-related disorder. Also called: OTUD7A-related condition.

gnomAD v4.1: 26 of 1,596,644 alleles (0.0016%); highest among the groups gnomAD compares: African/African-American, 0.032%; no homozygotes.

Submissions (2):

Ambry Genetics
Classification: Uncertain significance. Last evaluated: 2025-09-11. Review status: criteria provided, single submitter. Criteria: Ambry Variant Classification Scheme 2023. Collection method: clinical testing. Allele origin: germline.

PreventionGenetics, part of Exact Sciences
Classification: Uncertain significance for OTUD7A-related condition. Last evaluated: 2024-09-06. Review status: no assertion criteria provided. Collection method: clinical testing. Allele origin: germline. Not counted in ClinVar's aggregate classification.
Comment: The OTUD7A c.860G>A variant is predicted to result in the amino acid substitution p.Gly287Asp. To our knowledge, this variant has not been reported in the literature. This variant is reported in 0.0085% of alleles in individuals of African descent in gnomAD. At this time, the clinical significance of this variant is uncertain due to the absence of conclusive functional and genetic evidence.